The following is an entry in ClinVar:

NM_004260.4(RECQL4):c.1073T>G (p.Met358Arg)

Gene: RECQL4 (RecQ like helicase 4; minus strand). Cytogenetic location: 8q24.3.
Variant type: single nucleotide variant.
Coding change: c.1073T>G on transcript NM_004260.4 (MANE Select); coding-DNA position 1073, T replaced by G.
Protein change: p.Met358Arg; replaces methionine 358 with arginine.
Molecular consequence: missense variant.
Genome position (GRCh38, 1-based): chr8:144,516,046, A>C on the plus strand (T>G on the coding strand, the complement: RECQL4 is on the minus strand). VCF-style: chr8-144516046-A-C. GRCh37 (hg19) VCF-style: chr8-145741430-A-C.
Other names: short protein forms M358R.
Identifiers: ClinVar variation 1426058 (VCV001426058.7), dbSNP rs376652305, ClinGen allele CA4949081.

ClinVar aggregate classification (germline): Uncertain significance. Review status: criteria provided, multiple submitters, no conflicts (2 of 4 stars). 2 submissions from 2 submitters: Uncertain significance (2). Last evaluated 2024-02-17.

Conditions:
Baller-Gerold syndrome (BGS). Also called: CRANIOSYNOSTOSIS WITH RADIAL DEFECTS. Identifiers: Orphanet 1225, MedGen C0265308, MONDO:0009039, OMIM 218600.
Rapadilino syndrome. Identifiers: Orphanet 3021, MedGen C1849453, MONDO:0009955, OMIM 266280.
Rothmund-Thomson syndrome type 2 (RTS2). Identifiers: Orphanet 221016, MedGen C5203410, MONDO:0016369, OMIM 268400.

gnomAD v4.1: 7 of 1,612,478 alleles (0.00043%); highest among the groups gnomAD compares: South Asian, 0.0066%; no homozygotes.

Submissions (2):

Labcorp Genetics (formerly Invitae), Labcorp
Classification: Uncertain significance for Baller-Gerold syndrome. Last evaluated: 2024-02-17. Review status: criteria provided, single submitter. Criteria: Invitae Variant Classification Sherloc (09022015). Collection method: clinical testing. Allele origin: germline.
Comment: This sequence change replaces methionine, which is neutral and non-polar, with arginine, which is basic and polar, at codon 358 of the RECQL4 protein (p.Met358Arg). This variant is present in population databases (rs376652305, gnomAD 0.006%). This variant has not been reported in the literature in individuals affected with RECQL4-related conditions. ClinVar contains an entry for this variant (Variation ID: 1426058). Advanced modeling of protein sequence and biophysical properties (such as structural, functional, and spatial information, amino acid conservation, physicochemical variation, residue mobility, and thermodynamic stability) performed at Invitae indicates that this missense variant is expected to disrupt RECQL4 protein function with a positive predictive value of 80%. In summary, the available evidence is currently insufficient to determine the role of this variant in disease. Therefore, it has been classified as a Variant of Uncertain Significance.

Fulgent Genetics
Classification: Uncertain significance for Baller-Gerold syndrome; Rapadilino syndrome; Rothmund-Thomson syndrome type 2. Last evaluated: 2021-10-21. Review status: criteria provided, single submitter. Criteria: ACMG Guidelines, 2015. Collection method: clinical testing. Allele origin: unknown.